The following is an entry in ClinVar:

ClinVar aggregate classification (germline): Uncertain significance. Review status: criteria provided, multiple submitters, no conflicts (2 of 4 stars). 2 submissions from 2 submitters: Uncertain significance (2). Last evaluated 2025-11-25.

Conditions:
Inborn genetic diseases. Identifiers: MedGen C0950123, MeSH D030342.

gnomAD v4.1: 19 of 1,614,040 alleles (0.0012%); highest among the groups gnomAD compares: Admixed American, 0.0017%; no homozygotes.

Submissions (2):

Labcorp Genetics (formerly Invitae), Labcorp
Classification: Uncertain significance. Last evaluated: 2025-11-25. Review status: criteria provided, single submitter. Criteria: Invitae Variant Classification Sherloc (09022015). Collection method: clinical testing. Allele origin: germline.
Comment: This sequence change replaces proline, which is neutral and non-polar, with serine, which is neutral and polar, at codon 476 of the MBD4 protein (p.Pro476Ser). This variant is present in population databases (rs376050040, gnomAD 0.05%). This variant has not been reported in the literature in individuals affected with MBD4-related conditions. ClinVar contains an entry for this variant (Variation ID: 3543789). An algorithm developed to predict the effect of missense changes on protein structure and function (PolyPhen-2) suggests that this variant is likely to be disruptive. In summary, the available evidence is currently insufficient to determine the role of this variant in disease. Therefore, it has been classified as a Variant of Uncertain Significance.

Ambry Genetics
Classification: Uncertain significance for Inborn genetic diseases. Last evaluated: 2024-11-30. Review status: criteria provided, single submitter. Criteria: Ambry Variant Classification Scheme 2023. Collection method: clinical testing. Allele origin: germline.
Comment: The p.P470S variant (also known as c.1408C>T), located in coding exon 6 of the MBD4 gene, results from a C to T substitution at nucleotide position 1408. The proline at codon 470 is replaced by serine, an amino acid with similar properties. This amino acid position is conserved. In addition, this alteration is predicted to be deleterious by in silico analysis. Based on the available evidence, the clinical significance of this variant remains unclear.

NM_001276270.2(MBD4):c.1408C>T (p.Pro470Ser)

Gene: MBD4 (methyl-CpG binding domain 4, DNA glycosylase; minus strand). Cytogenetic location: 3q21.3.
Variant type: single nucleotide variant.
Coding change: c.1408C>T on transcript NM_001276270.2 (MANE Select); coding-DNA position 1408, C replaced by T.
Protein change: p.Pro470Ser; replaces proline 470 with serine.
Molecular consequence: missense variant.
Genome position (GRCh38, 1-based): chr3:129,433,233, G>A on the plus strand (C>T on the coding strand, the complement: MBD4 is on the minus strand). VCF-style: chr3-129433233-G-A. GRCh37 (hg19) VCF-style: chr3-129152076-G-A.
Other names: c.1426C>T, p.Pro476Ser (NM_003925.3, NM_001276271.2, NM_001276272.2); c.472C>T, p.Pro158Ser (NM_001276273.2); short protein forms P470S, P158S, P476S.
Identifiers: ClinVar variation 3543789 (VCV003543789.3).